The following is an entry in ClinVar:

NM_006389.5(HYOU1):c.29C>T (p.Pro10Leu)

Gene: HYOU1 (hypoxia up-regulated 1; minus strand). Cytogenetic location: 11q23.3.
Variant type: single nucleotide variant.
Coding change: c.29C>T on transcript NM_006389.5 (MANE Select); coding-DNA position 29, C replaced by T.
Protein change: p.Pro10Leu; replaces proline 10 with leucine.
Molecular consequence: missense variant.
Genome position (GRCh38, 1-based): chr11:119,056,132, G>A on the plus strand (C>T on the coding strand, the complement: HYOU1 is on the minus strand). VCF-style: chr11-119056132-G-A. GRCh37 (hg19) VCF-style: chr11-118926844-G-A.
Other names: c.29C>T, p.Pro10Leu (NM_001130991.3, NM_001411041.1); c.29C>T (NM_006389.3); short protein forms P10L.
Identifiers: ClinVar variation 3608159 (VCV003608159.3).

ClinVar aggregate classification (germline): Uncertain significance. Review status: criteria provided, multiple submitters, no conflicts (2 of 4 stars). 2 submissions from 2 submitters: Uncertain significance (2). Last evaluated 2025-09-24.

Submissions (2):

Labcorp Genetics (formerly Invitae), Labcorp
Classification: Uncertain significance. Last evaluated: 2025-09-24. Review status: criteria provided, single submitter. Criteria: Invitae Variant Classification Sherloc (09022015). Collection method: clinical testing. Allele origin: germline.
Comment: This sequence change replaces proline, which is neutral and non-polar, with leucine, which is neutral and non-polar, at codon 10 of the HYOU1 protein (p.Pro10Leu). This variant is present in population databases (rs148943050, gnomAD 0.02%). This variant has not been reported in the literature in individuals affected with HYOU1-related conditions. ClinVar contains an entry for this variant (Variation ID: 3608159). An algorithm developed to predict the effect of missense changes on protein structure and function outputs the following: PolyPhen-2: "Benign". The leucine amino acid residue is found in multiple mammalian species, which suggests that this missense change does not adversely affect protein function. In summary, the available evidence is currently insufficient to determine the role of this variant in disease. Therefore, it has been classified as a Variant of Uncertain Significance.

Ambry Genetics
Classification: Uncertain significance. Last evaluated: 2025-08-23. Review status: criteria provided, single submitter. Criteria: Ambry Variant Classification Scheme 2023. Collection method: clinical testing. Allele origin: germline.